The following is an entry in ClinVar:

NM_003803.4(MYOM1):c.2378G>T (p.Gly793Val)

Gene: MYOM1 (myomesin 1; minus strand). Cytogenetic location: 18p11.31.
Variant type: single nucleotide variant.
Coding change: c.2378G>T on transcript NM_003803.4 (MANE Select); coding-DNA position 2378, G replaced by T.
Protein change: p.Gly793Val; replaces glycine 793 with valine.
Molecular consequence: missense variant.
Genome position (GRCh38, 1-based): chr18:3,134,656, C>A on the plus strand (G>T on the coding strand, the complement: MYOM1 is on the minus strand). VCF-style: chr18-3134656-C-A. GRCh37 (hg19) VCF-style: chr18-3134654-C-A.
Other names: c.2378G>T, p.Gly793Val (NM_019856.2); short protein forms G793V.
Identifiers: ClinVar variation 1421460 (VCV001421460.8), dbSNP rs2079928717, ClinGen allele CA401712358.

ClinVar aggregate classification (germline): Uncertain significance (1 of 4 stars; one submission).

Conditions:
Hypertrophic cardiomyopathy. Also called: HYPERTROPHIC MYOCARDIOPATHY. Identifiers: Orphanet 217569, MedGen C0007194, MeSH D002312, MONDO:0005045, HP:0001639.

Allele frequency attached by ClinVar (database versions not stated): gnomAD exomes below 0.00001; TOPMed below 0.00001.
gnomAD v4.1: 2 of 1,611,176 alleles (0.00012%); highest among the groups gnomAD compares: South Asian, 0.0011%; no homozygotes.

Submission:

Labcorp Genetics (formerly Invitae), Labcorp
Classification: Uncertain significance for Hypertrophic cardiomyopathy. Last evaluated: 2023-10-23. Review status: criteria provided, single submitter. Criteria: Invitae Variant Classification Sherloc (09022015). Collection method: clinical testing. Allele origin: germline.
Comment: This sequence change replaces glycine, which is neutral and non-polar, with valine, which is neutral and non-polar, at codon 793 of the MYOM1 protein (p.Gly793Val). This variant is not present in population databases (gnomAD no frequency). This variant has not been reported in the literature in individuals affected with MYOM1-related conditions. ClinVar contains an entry for this variant (Variation ID: 1421460). Advanced modeling of protein sequence and biophysical properties (such as structural, functional, and spatial information, amino acid conservation, physicochemical variation, residue mobility, and thermodynamic stability) performed at Invitae indicates that this missense variant is not expected to disrupt MYOM1 protein function with a negative predictive value of 80%. In summary, the available evidence is currently insufficient to determine the role of this variant in disease. Therefore, it has been classified as a Variant of Uncertain Significance.